The following is an entry in ClinVar:

NM_025099.6(CTC1):c.3514+3A>G

Gene: CTC1 (CST telomere replication complex component 1; minus strand). Cytogenetic location: 17p13.1.
Variant type: single nucleotide variant.
Coding change: c.3514+3A>G on transcript NM_025099.6 (MANE Select); 3 bases into the intron after coding-DNA position 3514, A replaced by G.
Molecular consequence: intron variant.
Genome position (GRCh38, 1-based): chr17:8,228,500, T>C on the plus strand (A>G on the coding strand, the complement: CTC1 is on the minus strand). VCF-style: chr17-8228500-T-C. GRCh37 (hg19) VCF-style: chr17-8131818-T-C.
Identifiers: ClinVar variation 1057846 (VCV001057846.7), dbSNP rs759039342, ClinGen allele CA8371754.
Genomic context (GRCh38, chr17:8,228,500, plus strand): 5'-GACCCATCTATCTCTATCACCATGATCCCCCTATCATCATGATCCCCCCGTCTCCAACCT[T>C]ACCTAATGGGACGATCTTCGACGGTTTCCTTTCCAGCTCAAAAGAAAGCACAATAGGACG-3'

ClinVar aggregate classification (germline): Uncertain significance (1 of 4 stars; one submission).

Conditions:
Dyskeratosis congenita. Identifiers: Orphanet 1775, MedGen C0265965, MONDO:0015780.

Allele frequency attached by ClinVar (database versions not stated): gnomAD exomes below 0.00001 and 0.00002; TOPMed below 0.00001; ExAC 0.00001; gnomAD 0.00001.
gnomAD v4.1: 16 of 1,613,896 alleles (0.00099%); highest among the groups gnomAD compares: East Asian, 0.036%; no homozygotes.

Submission:

Labcorp Genetics (formerly Invitae), Labcorp
Classification: Uncertain significance for Dyskeratosis congenita. Last evaluated: 2021-10-02. Review status: criteria provided, single submitter. Criteria: Invitae Variant Classification Sherloc (09022015). Collection method: clinical testing. Allele origin: germline.
Comment: In summary, the available evidence is currently insufficient to determine the role of this variant in disease. Therefore, it has been classified as a Variant of Uncertain Significance. Nucleotide substitutions within the consensus splice site are a relatively common cause of aberrant splicing (PMID: 17576681, 9536098). Algorithms developed to predict the effect of sequence changes on RNA splicing suggest that this variant may disrupt the consensus splice site, but this prediction has not been confirmed by published transcriptional studies. This variant has not been reported in the literature in individuals with CTC1-related conditions. This variant is present in population databases (rs759039342, ExAC 0.01%). This sequence change falls in intron 22 of the CTC1 gene. It does not directly change the encoded amino acid sequence of the CTC1 protein, but it affects a nucleotide within the consensus splice site of the intron.

Literature cited by the submitters: PubMed 17576681; PubMed 9536098.